The following is an entry in ClinVar:

ClinVar aggregate classification (germline): Pathogenic. Review status: criteria provided, single submitter (1 of 4 stars). 2 submissions from 2 submitters: Pathogenic (1). 1 of the submissions does not count toward it. Last evaluated 2026-04-14.

Conditions:
Familial intrahepatic cholestasis. Identifiers: Orphanet 284385, MedGen CN296401, MONDO:0017290.
Cholestasis, intrahepatic, of pregnancy, 3. Identifiers: Orphanet 69665, MedGen C3554241, MONDO:0013995, OMIM 614972.

Submissions (2):

Genomenon, Inc
Classification: Pathogenic for Familial intrahepatic cholestasis. Last evaluated: 2026-04-14. Review status: criteria provided, single submitter. Criteria: Genomenon Sequence Variant Interpretation Standards - Updated. Collection method: curation. Allele origin: germline. Affected: yes.
Comment: ABCB4 p.Ser1146GlufsTer20 (c.3434dup) is a frameshift variant that results in the production of a truncated protein which is predicted to undergo nonsense-mediated mRNA decay. This variant has been observed in at least one proband with an ABCB4-related disorder (PMID:34961929). It is absent or not present at a significant frequency in gnomAD. In conclusion, we classify ABCB4 p.Ser1146GlufsTer20 (c.3434dup) as a pathogenic variant.

NIHR Bioresource Rare Diseases, University of Cambridge
Classification: Likely pathogenic for Cholestasis, intrahepatic, of pregnancy, 3. Review status: no assertion criteria provided. Collection method: research. Allele origin: unknown. Affected: yes. Observed: 1 variant allele. Not counted in ClinVar's aggregate classification.

Literature cited by the submitters: PubMed 34961929 (cited by Genomenon, Inc); PubMed 32581362 (cited by NIHR Bioresource Rare Diseases, University of Cambridge).

NM_000443.4(ABCB4):c.3434dup (p.Ser1146fs)

Gene: ABCB4 (ATP binding cassette subfamily B member 4; minus strand). Cytogenetic location: 7q21.12.
Variant type: Duplication.
Coding change: c.3434dup on transcript NM_000443.4 (MANE Select); coding-DNA position 3434, one base duplicated (T; older notation c.3434dupT).
Protein change: p.Ser1146fs; shifts the reading frame from serine 1146.
Molecular consequence: frameshift variant.
Genome position (GRCh38, 1-based): chr7:87,406,340, A duplicated on the plus strand (T on the coding strand, the reverse complement: ABCB4 is on the minus strand). VCF-style (leftmost placement, unchanged base first): chr7-87406339-C-CA. GRCh37 (hg19) VCF-style: chr7-87035655-C-CA.
Other names: c.3455dup, p.Ser1153fs (NM_018849.3); c.3293dup, p.Ser1099fs (NM_018850.3); short protein forms S1099fs, S1146fs, S1153fs.
Identifiers: ClinVar variation 812976 (VCV000812976.3), dbSNP rs1584671714, ClinGen allele CA915944953.